The following is an entry in ClinVar:

NM_000532.5(PCCB):c.730C>A (p.Leu244Ile)

Gene: PCCB (propionyl-CoA carboxylase subunit beta; plus strand). Cytogenetic location: 3q22.3.
Variant type: single nucleotide variant.
Coding change: c.730C>A on transcript NM_000532.5 (MANE Select); coding-DNA position 730, C replaced by A.
Protein change: p.Leu244Ile; replaces leucine 244 with isoleucine.
Molecular consequence: missense variant.
Genome position (GRCh38, 1-based): chr3:136,293,831, C>A. VCF-style: chr3-136293831-C-A. GRCh37 (hg19) VCF-style: chr3-136012673-C-A.
Other names: c.790C>A, p.Leu264Ile (NM_001178014.2); short protein forms L244I, L264I.
Identifiers: ClinVar variation 2157263 (VCV002157263.1), dbSNP rs755054401, ClinGen allele CA2631840.

ClinVar aggregate classification (germline): Uncertain significance (1 of 4 stars; one submission).

Conditions:
Propionic acidemia (PROP). Also called: GLYCINEMIA, KETOTIC; HYPERGLYCINEMIA WITH KETOACIDOSIS AND LEUKOPENIA; KETOTIC HYPERGLYCINEMIA. Identifiers: Orphanet 35, MedGen C0268579, MONDO:0011628, OMIM 606054, HP:0003571.

gnomAD v4.1: 2 of 1,611,508 alleles (0.00012%); highest among the groups gnomAD compares: Admixed American, 0.0033%; no homozygotes.

Submission:

Labcorp Genetics (formerly Invitae), Labcorp
Classification: Uncertain significance for Propionic acidemia. Last evaluated: 2022-08-22. Review status: criteria provided, single submitter. Criteria: Invitae Variant Classification Sherloc (09022015). Collection method: clinical testing. Allele origin: germline.
Comment: This sequence change replaces leucine, which is neutral and non-polar, with isoleucine, which is neutral and non-polar, at codon 244 of the PCCB protein (p.Leu244Ile). This variant is present in population databases (rs755054401, gnomAD 0.009%). This variant has not been reported in the literature in individuals affected with PCCB-related conditions. Advanced modeling of protein sequence and biophysical properties (such as structural, functional, and spatial information, amino acid conservation, physicochemical variation, residue mobility, and thermodynamic stability) performed at Invitae indicates that this missense variant is expected to disrupt PCCB protein function. In summary, the available evidence is currently insufficient to determine the role of this variant in disease. Therefore, it has been classified as a Variant of Uncertain Significance.